The following is an entry in ClinVar:

ClinVar aggregate classification (germline): Pathogenic/Likely pathogenic. Review status: criteria provided, multiple submitters, no conflicts (2 of 4 stars). 5 submissions from 5 submitters: Pathogenic (1); Likely pathogenic (4). Last evaluated 2025-08-05.

Conditions:
Bronchiectasis with or without elevated sweat chloride 1 (BESC1). Also called: Cystic Fibrosis-Like Syndrome. Identifiers: Orphanet 60033, MedGen C2749757, MONDO:0008887, OMIM 211400.
Cystic fibrosis (CF). Also called: MUCOVISCIDOSIS. Identifiers: Orphanet 586, MedGen C0010674, MONDO:0009061, OMIM 219700. Disease mechanism: loss of function.
Congenital bilateral aplasia of vas deferens from CFTR mutation (CBAVD). Identifiers: Orphanet 48, MedGen C0403814, MONDO:0010178, OMIM 277180. Disease mechanism: loss of function.
Hereditary pancreatitis (PCTT). Also called: Hereditary chronic pancreatitis; PRSS1-Related Hereditary Pancreatitis. Identifiers: Orphanet 676, MedGen C0238339, MONDO:0008185, OMIM 167800.
CFTR-related disorder (CFTR-RD). Also called: CFTR-related disorders; CFTR-related condition. Identifiers: MedGen C5924204, MONDO:7770004.

Submissions (5):

Natera, Inc.
Classification: Likely pathogenic for CFTR-related disorders. Last evaluated: 2025-08-05. Review status: criteria provided, single submitter. Criteria: Natera Variant Classification Schema (03/2026). Collection method: clinical testing. Allele origin: germline.
Comment: The c.1540G>T variant in CFTR is a nonsense variant predicted to introduce a stop codon at amino acid 514. This variant is expected to result in nonsense mediated decay, truncation, or a dysfunctional protein product. This variant is rare in the general population with a frequency below the threshold expected for the associated phenotype(s). Given the available evidence, this variant is classified as Likely Pathogenic.

Fulgent Genetics
Classification: Likely pathogenic for Hereditary pancreatitis; Bronchiectasis with or without elevated sweat chloride 1; Cystic fibrosis; Congenital bilateral aplasia of vas deferens from CFTR mutation. Last evaluated: 2024-04-23. Review status: criteria provided, single submitter. Criteria: ACMG Guidelines, 2015. Collection method: clinical testing. Allele origin: germline.

Institute of Human Genetics, University of Leipzig Medical Center
Classification: Likely pathogenic for Cystic fibrosis. Last evaluated: 2022-09-05. Review status: criteria provided, single submitter. Criteria: ACMG Guidelines, 2015. Collection method: curation. Allele origin: unknown. Affected: yes. Observed: 2 variant alleles.
Comment: This variant was identified in 2 unrelated patients with a clinically confirmed diagnosis of cystic fibrosis. The variant was classified in the context of a project re-classifying variants in the German Cystic Fibrosis Registry (Muko.e.V.). Criteria applied: PVS1, PM2_SUP

Myriad Genetics, Inc.
Classification: Likely pathogenic for Cystic fibrosis. Last evaluated: 2019-04-08. Review status: criteria provided, single submitter. Criteria: Myriad Women's Health Autosomal Recessive and X-Linked Classification Criteria (2019). Collection method: clinical testing. Allele origin: unknown.
Comment: NM_000492.3(CFTR):c.1540G>T(E514*) is expected to be pathogenic in the context of cystic fibrosis. This variant is predicted to lead to an abnormal or absent protein product due to the creation of a premature termination codon in CFTR, a gene where loss-of-function variants are known to be pathogenic. Please note: this variant was assessed in the context of healthy population screening.

Ambry Genetics
Classification: Pathogenic for Cystic fibrosis. Last evaluated: 2015-02-06. Review status: criteria provided, single submitter. Criteria: Ambry Variant Classification Scheme 2023. Collection method: clinical testing. Allele origin: germline.
Comment: The p.E514* pathogenic mutation (also known as c.1540G>T), located in coding exon 11 of the CFTR gene, results from a G to T substitution at nucleotide position 1540. This changes the amino acid from a glutamic acid to a stop codon within coding exon 11. Since premature stop codons are typically deleterious in nature, this alteration is interpreted as a disease-causing mutation (ACMG Recommendations for Standards for Interpretation and Reporting of Sequence Variations. Revision 2007. Genet Med. 2008;10:294).

NM_000492.4(CFTR):c.1540G>T (p.Glu514Ter)

Genes: CFTR (CF transmembrane conductance regulator; plus strand), CFTR-AS1 (CFTR antisense RNA 1; minus strand). Cytogenetic location: 7q31.2.
Variant type: single nucleotide variant.
Coding change: c.1540G>T on transcript NM_000492.4 (MANE Select); coding-DNA position 1540, G replaced by T.
Protein change: p.Glu514Ter; replaces glutamic acid 514 with a stop codon.
Molecular consequence: nonsense.
Genome position (GRCh38, 1-based): chr7:117,559,611, G>T. VCF-style: chr7-117559611-G-T. GRCh37 (hg19) VCF-style: chr7-117199665-G-T.
Other names: c.1540G>T (NM_000492.3); short protein forms E514*.
Identifiers: ClinVar variation 984347 (VCV000984347.8), dbSNP rs1799425190, ClinGen allele CA368984808.